The following is an entry in ClinVar:

NM_001130144.3(LTBP3):c.247A>G (p.Ser83Gly)

Gene: LTBP3 (latent transforming growth factor beta binding protein 3; minus strand). Cytogenetic location: 11q13.1.
Variant type: single nucleotide variant.
Coding change: c.247A>G on transcript NM_001130144.3 (MANE Select); coding-DNA position 247, A replaced by G.
Protein change: p.Ser83Gly; replaces serine 83 with glycine.
Molecular consequence: missense variant. On other transcripts: 5 prime UTR variant (1).
Genome position (GRCh38, 1-based): chr11:65,557,713, T>C on the plus strand (A>G on the coding strand, the complement: LTBP3 is on the minus strand). VCF-style: chr11-65557713-T-C. GRCh37 (hg19) VCF-style: chr11-65325184-T-C.
Other names: c.-101A>G (NM_001164266.1); c.247A>G, p.Ser83Gly (NM_021070.4); short protein forms S83G.
Identifiers: ClinVar variation 2825087 (VCV002825087.3), dbSNP rs2496186536, ClinGen allele CA381278004.

ClinVar aggregate classification (germline): Uncertain significance (1 of 4 stars; one submission).

Conditions:
Brachyolmia-amelogenesis imperfecta syndrome. Also called: PLATYSPONDYLY WITH AMELOGENESIS IMPERFECTA; Tooth agenesis, selective, 6; Dental anomalies and short stature. Identifiers: Orphanet 2899, MedGen C1832594, MONDO:0011018, OMIM 601216. Disease mechanism: loss of function.

Submission:

Labcorp Genetics (formerly Invitae), Labcorp
Classification: Uncertain significance for Brachyolmia-amelogenesis imperfecta syndrome. Last evaluated: 2022-12-30. Review status: criteria provided, single submitter. Criteria: Invitae Variant Classification Sherloc (09022015). Collection method: clinical testing. Allele origin: germline.
Comment: This sequence change replaces serine, which is neutral and polar, with glycine, which is neutral and non-polar, at codon 83 of the LTBP3 protein (p.Ser83Gly). This variant is not present in population databases (gnomAD no frequency). This variant has not been reported in the literature in individuals affected with LTBP3-related conditions. Algorithms developed to predict the effect of missense changes on protein structure and function (SIFT, PolyPhen-2, Align-GVGD) all suggest that this variant is likely to be tolerated. In summary, the available evidence is currently insufficient to determine the role of this variant in disease. Therefore, it has been classified as a Variant of Uncertain Significance.